The following is an entry in ClinVar:

NM_001199138.2(NLRC4):c.2630T>C (p.Val877Ala)

Gene: NLRC4 (NLR family CARD domain containing 4; minus strand). Cytogenetic location: 2p22.3.
Variant type: single nucleotide variant.
Coding change: c.2630T>C on transcript NM_001199138.2 (MANE Select); coding-DNA position 2630, T replaced by C.
Protein change: p.Val877Ala; replaces valine 877 with alanine.
Molecular consequence: missense variant.
Genome position (GRCh38, 1-based): chr2:32,235,553, A>G on the plus strand (T>C on the coding strand, the complement: NLRC4 is on the minus strand). VCF-style: chr2-32235553-A-G. GRCh37 (hg19) VCF-style: chr2-32460622-A-G.
Other names: c.2630T>C, p.Val877Ala (NM_001199139.2, NM_021209.5); c.635T>C, p.Val212Ala (NM_001302504.2); short protein forms V212A, V877A.
Identifiers: ClinVar variation 4788205 (VCV004788205.1).

ClinVar aggregate classification (germline): Uncertain significance (1 of 4 stars; one submission).

Conditions:
Periodic fever-infantile enterocolitis-autoinflammatory syndrome. Also called: Autoinflammation with infantile enterocolitis. Identifiers: Orphanet 436166, MedGen C4015067, MONDO:0014472, OMIM 616050.
Familial cold autoinflammatory syndrome 4 (FCAS4). Identifiers: Orphanet 47045, Orphanet 576349, MedGen C4015276, MONDO:0014498, OMIM 616115.

Submission:

Labcorp Genetics (formerly Invitae), Labcorp
Classification: Uncertain significance for Periodic fever-infantile enterocolitis-autoinflammatory syndrome; Familial cold autoinflammatory syndrome 4. Last evaluated: 2025-12-01. Review status: criteria provided, single submitter. Criteria: Invitae Variant Classification Sherloc (09022015). Collection method: clinical testing. Allele origin: germline.
Comment: This sequence change replaces valine, which is neutral and non-polar, with alanine, which is neutral and non-polar, at codon 877 of the NLRC4 protein (p.Val877Ala). This variant is not present in population databases (gnomAD no frequency). This variant has not been reported in the literature in individuals affected with NLRC4-related conditions. Invitae Evidence Modeling of protein sequence and biophysical properties (such as structural, functional, and spatial information, amino acid conservation, physicochemical variation, residue mobility, and thermodynamic stability) indicates that this missense variant is not expected to disrupt NLRC4 protein function with a negative predictive value of 80%. In summary, the available evidence is currently insufficient to determine the role of this variant in disease. Therefore, it has been classified as a Variant of Uncertain Significance.